The following is an entry in ClinVar:

ClinVar aggregate classification (germline): Benign/Likely benign. Review status: criteria provided, multiple submitters, no conflicts (2 of 4 stars). 5 submissions from 5 submitters: Benign (1); Likely benign (4). Last evaluated 2026-06-01.

Conditions:
ZMYND10-related disorder. Also called: ZMYND10-related condition.
Primary ciliary dyskinesia 22. Also called: CILIARY DYSKINESIA, PRIMARY, 22, WITH OR WITHOUT SITUS INVERSUS. Identifiers: Orphanet 244, MedGen C3809543, MONDO:0014192, OMIM 615444.
Primary ciliary dyskinesia. Also called: Ciliary dyskinesia. Identifiers: Orphanet 244, MedGen C0008780, MONDO:0016575, HP:0012265.

Allele frequency attached by ClinVar (database versions not stated): gnomAD exomes 0.00005 and 0.00014; ExAC 0.00020; 1000 Genomes Project 0.00040; ESP Exome Variant Server 0.00046; gnomAD 0.00056 and 0.00060; TOPMed 0.00070; 1000 Genomes Project 30x 0.00078.
gnomAD v4.1: 161 of 1,612,572 alleles (0.01%); highest among the groups gnomAD compares: African/African-American, 0.19%; no homozygotes.

Submissions (5):

CeGaT Center for Human Genetics Tuebingen
Classification: Likely benign. Last evaluated: 2026-06-01. Review status: criteria provided, single submitter. Criteria: CeGaT Center For Human Genetics Tuebingen Variant Classification Criteria Version 2. Collection method: clinical testing. Allele origin: germline. Affected: yes. Observed: 1 variant allele.
Comment: ZMYND10: BP4, BP7

Labcorp Genetics (formerly Invitae), Labcorp
Classification: Benign for Primary ciliary dyskinesia. Last evaluated: 2026-02-01. Review status: criteria provided, single submitter. Criteria: Invitae Variant Classification Sherloc (09022015). Collection method: clinical testing. Allele origin: germline.

PreventionGenetics, part of Exact Sciences
Classification: Likely benign for ZMYND10-related condition. Last evaluated: 2025-03-15. Review status: criteria provided, single submitter. Criteria: ACMG Guidelines, 2015. Collection method: clinical testing. Allele origin: germline.
Comment: This variant is classified as likely benign based on ACMG/AMP sequence variant interpretation guidelines (Richards et al. 2015 PMID: 25741868, with internal and published modifications).

ARUP Laboratories, Molecular Genetics and Genomics, ARUP Laboratories
Classification: Likely benign for Primary ciliary dyskinesia 22. Last evaluated: 2024-05-20. Review status: criteria provided, single submitter. Criteria: ARUP Molecular Germline Variant Investigation Process 2024. Collection method: clinical testing. Allele origin: germline.

Blueprint Genetics
Classification: Likely benign. Last evaluated: 2023-03-22. Review status: criteria provided, single submitter. Criteria: ACMG Guidelines, 2015. Collection method: clinical testing. Allele origin: germline.

NM_015896.4(ZMYND10):c.480G>A (p.Gly160=)

Gene: ZMYND10 (zinc finger MYND-type containing 10; minus strand). Cytogenetic location: 3p21.31.
Variant type: single nucleotide variant.
Coding change: c.480G>A on transcript NM_015896.4 (MANE Select); coding-DNA position 480, G replaced by A.
Protein change: p.Gly160=; no amino-acid change (glycine 160 retained).
Molecular consequence: synonymous variant.
Genome position (GRCh38, 1-based): chr3:50,343,337, C>T on the plus strand (G>A on the coding strand, the complement: ZMYND10 is on the minus strand). VCF-style: chr3-50343337-C-T. GRCh37 (hg19) VCF-style: chr3-50380768-C-T.
Other names: c.480G>A, p.Gly160= (NM_001308379.2); c.480G>A (NM_015896.3).
Identifiers: ClinVar variation 698279 (VCV000698279.14), dbSNP rs138071787, ClinGen allele CA2417200.
Genomic context (GRCh38, chr3:50,343,337, plus strand): 5'-CTTTCACAACCCTAGGTAACCTCAACCCACCTGCATGGGGTTGCTGTCCTGGGATCCCTC[C>T]CCCTCAGGGGGGCCACCACAGCCACTCTGGGCCACCAGCAGGGTCAGTTTGCGGTGGCAA-3'
Protein context (NP_056980.2, residues 150-170): AQSGCGGPPE[Gly160=]EGSQDSNPMQ